The following is an entry in ClinVar:

ClinVar aggregate classification (germline): Uncertain significance (1 of 4 stars; one submission).

Conditions:
Dyskeratosis congenita. Identifiers: Orphanet 1775, MedGen C0265965, MONDO:0015780.

Submission:

Labcorp Genetics (formerly Invitae), Labcorp
Classification: Uncertain significance for Dyskeratosis congenita. Last evaluated: 2024-04-25. Review status: criteria provided, single submitter. Criteria: Invitae Variant Classification Sherloc (09022015). Collection method: clinical testing. Allele origin: germline.
Comment: This sequence change replaces leucine, which is neutral and non-polar, with arginine, which is basic and polar, at codon 425 of the TINF2 protein (p.Leu425Arg). This variant is not present in population databases (gnomAD no frequency). This variant has not been reported in the literature in individuals affected with TINF2-related conditions. An algorithm developed to predict the effect of missense changes on protein structure and function (PolyPhen-2) suggests that this variant is likely to be tolerated. In summary, the available evidence is currently insufficient to determine the role of this variant in disease. Therefore, it has been classified as a Variant of Uncertain Significance.

NM_001099274.3(TINF2):c.1274T>G (p.Leu425Arg)

Gene: TINF2 (TERF1 interacting nuclear factor 2; minus strand). Cytogenetic location: 14q12.
Variant type: single nucleotide variant.
Coding change: c.1274T>G on transcript NM_001099274.3 (MANE Select); coding-DNA position 1274, T replaced by G.
Protein change: p.Leu425Arg; replaces leucine 425 with arginine.
Molecular consequence: missense variant. On other transcripts: 3 prime UTR variant (1).
Genome position (GRCh38, 1-based): chr14:24,239,879, A>C on the plus strand (T>G on the coding strand, the complement: TINF2 is on the minus strand). VCF-style: chr14-24239879-A-C. GRCh37 (hg19) VCF-style: chr14-24709085-A-C.
Other names: c.1169T>G, p.Leu390Arg (NM_001363668.2); c.*536T>G (NM_012461.3); short protein forms L425R, L390R.
Identifiers: ClinVar variation 3651140 (VCV003651140.2).